The following is an entry in ClinVar:

ClinVar aggregate classification (germline): Conflicting classifications of pathogenicity. Review status: criteria provided, conflicting classifications (1 of 4 stars). 2 submissions from 2 submitters: Pathogenic (1); Uncertain significance (1). Last evaluated 2022-01-13.

Conditions:
Myofibromatosis, infantile, 2. Identifiers: Orphanet 2591, MedGen C3809084, MONDO:0014122, OMIM 615293.

Submissions (2):

Genetics and Molecular Pathology, SA Pathology
Classification: Uncertain significance for Myofibromatosis, infantile, 2. Last evaluated: 2022-01-13. Review status: criteria provided, single submitter. Criteria: ACMG Guidelines, 2015. Collection method: clinical testing. Allele origin: germline. Inheritance: Autosomal dominant inheritance. Affected: yes.

Athena Diagnostics
Classification: Pathogenic. Last evaluated: 2021-08-13. Review status: criteria provided, single submitter. Criteria: Athena Diagnostics Criteria. Collection method: clinical testing. Allele origin: unknown.
Comment: This variant has not been reported in large, multi-ethnic general populations. This variant has been identified in at least one individual tested at Athena Diagnostics with clinical features associated with this gene. Computational tools yielded predictions that this variant may result in the gain of a cryptic splice site without affecting the natural splice sites. This variant alters a critical location within the protein, and is expected to severely affect function and cause disease. Greater than 90% of pathogenic variants identified in NOTCH3 involve the gain or loss of a cysteine residue within the epidermal growth factor (EGF)-like repeat domain.

Literature cited by the submitters: PubMed 32732295 (cited by Athena Diagnostics).

NM_000435.3(NOTCH3):c.3970T>A (p.Cys1324Ser)

Gene: NOTCH3 (notch receptor 3; minus strand). Cytogenetic location: 19p13.12.
Variant type: single nucleotide variant.
Coding change: c.3970T>A on transcript NM_000435.3 (MANE Select); coding-DNA position 3970, T replaced by A.
Protein change: p.Cys1324Ser; replaces cysteine 1324 with serine.
Molecular consequence: missense variant.
Genome position (GRCh38, 1-based): chr19:15,177,958, A>T on the plus strand (T>A on the coding strand, the complement: NOTCH3 is on the minus strand). VCF-style: chr19-15177958-A-T. GRCh37 (hg19) VCF-style: chr19-15288769-A-T.
Other names: c.3970T>A (NM_000435.2); short protein forms C1324S.
Identifiers: ClinVar variation 1803285 (VCV001803285.3), dbSNP rs1486702985, ClinGen allele CA404505829.